The following is an entry in ClinVar:

NM_001009999.3(KDM1A):c.25G>T (p.Ala9Ser)

Gene: KDM1A (lysine demethylase 1A; plus strand). Cytogenetic location: 1p36.12.
Variant type: single nucleotide variant.
Coding change: c.25G>T on transcript NM_001009999.3 (MANE Select); coding-DNA position 25, G replaced by T.
Protein change: p.Ala9Ser; replaces alanine 9 with serine.
Molecular consequence: missense variant.
Genome position (GRCh38, 1-based): chr1:23,019,621, G>T. VCF-style: chr1-23019621-G-T. GRCh37 (hg19) VCF-style: chr1-23346114-G-T.
Other names: c.25G>T, p.Ala9Ser (NM_001363654.2, NM_001410762.1, NM_001410763.1 and 1 more transcripts); short protein forms A9S.
Identifiers: ClinVar variation 3863223 (VCV003863223.1).

ClinVar aggregate classification (germline): Uncertain significance (1 of 4 stars; one submission).

Conditions:
Inborn genetic diseases. Identifiers: MedGen C0950123, MeSH D030342.

Submission:

Ambry Genetics
Classification: Uncertain significance for Inborn genetic diseases. Last evaluated: 2024-12-21. Review status: criteria provided, single submitter. Criteria: Ambry Variant Classification Scheme 2023. Collection method: clinical testing. Allele origin: germline.
Comment: The p.A9S variant (also known as c.25G>T), located in coding exon 1 of the KDM1A gene, results from a G to T substitution at nucleotide position 25. The alanine at codon 9 is replaced by serine, an amino acid with similar properties. This amino acid position is conserved. In addition, this alteration is predicted to be tolerated by in silico analysis. Based on the available evidence, the clinical significance of this variant remains unclear.